The following is an entry in ClinVar:

NM_017950.4(CCDC40):c.1030C>G (p.Leu344Val)

Gene: CCDC40 (coiled-coil domain 40 molecular ruler complex subunit; plus strand). Cytogenetic location: 17q25.3.
Variant type: single nucleotide variant.
Coding change: c.1030C>G on transcript NM_017950.4 (MANE Select); coding-DNA position 1030, C replaced by G.
Protein change: p.Leu344Val; replaces leucine 344 with valine.
Molecular consequence: missense variant.
Genome position (GRCh38, 1-based): chr17:80,050,154, C>G. VCF-style: chr17-80050154-C-G. GRCh37 (hg19) VCF-style: chr17-78023953-C-G.
Other names: c.1030C>G, p.Leu344Val (NM_001243342.2, NM_001330508.2); short protein forms L344V.
Identifiers: ClinVar variation 454873 (VCV000454873.6), dbSNP rs374337192, ClinGen allele CA8813655.

ClinVar aggregate classification (germline): Uncertain significance (1 of 4 stars; one submission).

Conditions:
Primary ciliary dyskinesia. Also called: Ciliary dyskinesia. Identifiers: Orphanet 244, MedGen C0008780, MONDO:0016575, HP:0012265.

Allele frequency attached by ClinVar (database versions not stated): gnomAD exomes below 0.00001 and 0.00001; gnomAD 0.00001; TOPMed 0.00001; ExAC 0.00002; ESP Exome Variant Server 0.00008.
gnomAD v4.1: 3 of 1,613,596 alleles (0.00019%); highest among the groups gnomAD compares: African/African-American, 0.004%; no homozygotes.

Submission:

Labcorp Genetics (formerly Invitae), Labcorp
Classification: Uncertain significance for Primary ciliary dyskinesia. Last evaluated: 2021-09-02. Review status: criteria provided, single submitter. Criteria: Invitae Variant Classification Sherloc (09022015). Collection method: clinical testing. Allele origin: germline.
Comment: This sequence change replaces leucine with valine at codon 344 of the CCDC40 protein (p.Leu344Val). The leucine residue is moderately conserved and there is a small physicochemical difference between leucine and valine. This variant is present in population databases (rs374337192, ExAC 0.02%). This variant has not been reported in the literature in individuals affected with CCDC40-related conditions. Algorithms developed to predict the effect of missense changes on protein structure and function (SIFT, PolyPhen-2, Align-GVGD) all suggest that this variant is likely to be tolerated. Algorithms developed to predict the effect of sequence changes on RNA splicing suggest that this variant may create or strengthen a splice site. In summary, the available evidence is currently insufficient to determine the role of this variant in disease. Therefore, it has been classified as a Variant of Uncertain Significance.